The following continues an entry in ClinVar:

NM_000492.4(CFTR):c.377G>A (p.Gly126Asp)

Gene: CFTR. ClinVar aggregate classification (germline): Pathogenic. Pathogenic (1).

Submissions 11 to 17 of 17:

ARUP Laboratories, Molecular Genetics and Genomics, ARUP Laboratories
Classification: Likely pathogenic. Last evaluated: 2023-11-10. Review status: criteria provided, single submitter. Criteria: ARUP Molecular Germline Variant Investigation Process 2024. Collection method: clinical testing. Allele origin: germline. Not counted in ClinVar's aggregate classification.
Comment: The CFTR c.377G>A; p.Gly126Asp variant (rs397508609) is reported in the literature in several compound heterozygous individuals affected with cystic fibrosis (see link to CF database, Desai 2018, Liechti-Gallati 1999, Lucarelli 2015, Palladino 2020, Salinas 2016, Terzic 2019, Wagner 1994). This variant is reported in ClinVar (Variation ID: 53812). This variant is only observed on three alleles in the Genome Aggregation Database, indicating it is not a common polymorphism. Computational analyses predict that this variant is deleterious (REVEL: 0.881). Based on available information, this variant is considered to be likely pathogenic. References: Link to CFTR2 database: Desai S et al. Clinical Characteristics and Predictors of Reduced Survival for Adult-diagnosed Cystic Fibrosis. Analysis of the Canadian CF Registry. Ann Am Thorac Soc. 2018 Oct;15(10):1177-1185. PMID: 29944384. Liechti-Gallati S et al. Two buffer PAGE system-based SSCP/HD analysis: a general protocol for rapid and sensitive mutation screening in cystic fibrosis and any other human genetic disease. Eur J Hum Genet. 1999 Jul;7(5):590-8. PMID: 10439967. Lucarelli M et al. A Genotypic-Oriented View of CFTR Genetics Highlights Specific Mutational Patterns Underlying Clinical Macrocategories of Cystic Fibrosis. Mol Med. 2015 Apr 21;21(1):257-75. PMID: 25910067. Palladino F et al. Dehydrated patient without clinically evident cause: A case report. World J Clin Cases. 2020 Oct 26;8(20):4838-4843. PMID: 33195651. Salinas DB et al. Benign and Deleterious Cystic Fibrosis Transmembrane Conductance Regulator Mutations Identified by Sequencing in Positive Cystic Fibrosis Newborn Screen Children from California. PLoS One. 2016 May 23;11(5):e0155624. PMID: 27214204. Terzic M et al. Cystic Fibrosis Mutation Spectrum in North Macedonia: A Step Toward Personalized Therapy. Balkan J Med Genet. 2019 Aug 28;22(1):35-40. PMID: 31523618. Wagner K et al. A new missense mutation G126D in exon 4 of the cystic fibrosis transmembrane conductance regulator (CFTR) gene. Hum Hered. 1994 Jan-Feb;44(1):56-7. PMID: 8163293.

Institute of Human Genetics, University of Leipzig Medical Center
Classification: Likely pathogenic for Cystic fibrosis. Last evaluated: 2022-09-05. Review status: criteria provided, single submitter. Criteria: ACMG Guidelines, 2015. Collection method: curation. Allele origin: unknown. Affected: yes. Observed: 2 variant alleles. Not counted in ClinVar's aggregate classification.
Comment: This variant was identified in 2 unrelated patients with a clinically confirmed diagnosis of cystic fibrosis. The variant was classified in the context of a project re-classifying variants in the German Cystic Fibrosis Registry (Muko.e.V.). Criteria applied: PM2_SUP, PM3_STR, PM5, PP3, PP4

CFTR-France
Classification: Pathogenic for cystic fibrosis; CFTR-related disorders. Last evaluated: 2020-03-26. Review status: criteria provided, single submitter. Criteria: Claustres M et al. (Hum Mutat 2017). Collection method: curation. Allele origin: germline. Affected: yes. Not counted in ClinVar's aggregate classification.
Comment: the variant causes a phenotype but regarding our data, we can't formally attribute it to CF, CFTR-RD or both

Genome Diagnostics Laboratory, The Hospital for Sick Children
Classification: Pathogenic for Cystic fibrosis. Last evaluated: 2020-02-11. Review status: criteria provided, single submitter. Criteria: ACMG Guidelines, 2015. Collection method: clinical testing. Allele origin: germline. Not counted in ClinVar's aggregate classification.

Baylor Genetics
Classification: Likely pathogenic for Congenital bilateral aplasia of vas deferens from CFTR mutation; Cystic fibrosis. Review status: criteria provided, single submitter. Criteria: ACMG Guidelines, 2015. Collection method: clinical testing. Allele origin: germline. Not counted in ClinVar's aggregate classification.

Genome Diagnostics Laboratory, The Hospital for Sick Children
Classification: Pathogenic for CFTR-related disorders. Last evaluated: 2020-02-11. Review status: no assertion criteria provided. Collection method: clinical testing. Allele origin: germline. Not counted in ClinVar's aggregate classification.

ClinVar Staff, National Center for Biotechnology Information (NCBI)
No classification provided. Condition: CFTR-related disorders. Review status: no classification provided. Collection method: literature only. Allele origin: germline. Affected: yes. Not counted in ClinVar's aggregate classification.

Literature cited by the submitters: PubMed 15463907 (cited by Ambry Genetics); PubMed 25910067 (cited by Ambry Genetics and Natera, Inc.); PubMed 8163293 (cited by 3 submitters); PubMed 31523618 (cited by Natera, Inc. and Women's Health and Genetics/Laboratory Corporation of America, LabCorp); PubMed 11504857 (cited by Women's Health and Genetics/Laboratory Corporation of America, LabCorp); PubMed 27214204 (cited by Women's Health and Genetics/Laboratory Corporation of America, LabCorp and Labcorp Genetics (formerly Invitae), Labcorp); PubMed 28736296 (cited by Women's Health and Genetics/Laboratory Corporation of America, LabCorp); PubMed 29944384 (cited by Women's Health and Genetics/Laboratory Corporation of America, LabCorp); PubMed 33195651 (cited by Women's Health and Genetics/Laboratory Corporation of America, LabCorp); PubMed 38388235 (cited by Women's Health and Genetics/Laboratory Corporation of America, LabCorp and Johns Hopkins Genomics, Johns Hopkins University); PubMed 39296431 (cited by Women's Health and Genetics/Laboratory Corporation of America, LabCorp); PubMed 10439967 (cited by Labcorp Genetics (formerly Invitae), Labcorp and ClinVar Staff, National Center for Biotechnology Information (NCBI)); PubMed 23974870 (cited by Labcorp Genetics (formerly Invitae), Labcorp); PubMed 25042876 (cited by Labcorp Genetics (formerly Invitae), Labcorp).